The following is an entry in ClinVar:

ClinVar aggregate classification (germline): Uncertain significance (1 of 4 stars; one submission).

Submission:

CeGaT Center for Human Genetics Tuebingen
Classification: Uncertain significance. Last evaluated: 2022-09-01. Review status: criteria provided, single submitter. Criteria: CeGaT Center For Human Genetics Tuebingen Variant Classification Criteria Version 2. Collection method: clinical testing. Allele origin: germline. Affected: yes. Observed: 1 variant allele.
Comment: DVL3: PM2, PVS1:Moderate

NM_004423.4(DVL3):c.354-1G>T

Gene: DVL3 (dishevelled segment polarity protein 3; plus strand). Cytogenetic location: 3q27.1.
Variant type: single nucleotide variant.
Coding change: c.354-1G>T on transcript NM_004423.4 (MANE Select); the canonical splice acceptor site of the intron before coding-DNA position 354, G replaced by T.
Molecular consequence: splice acceptor variant.
Genome position (GRCh38, 1-based): chr3:184,164,491, G>T. VCF-style: chr3-184164491-G-T. GRCh37 (hg19) VCF-style: chr3-183882279-G-T.
Identifiers: ClinVar variation 2654305 (VCV002654305.24), dbSNP rs1200026995, ClinGen allele CA355403366.